The following is an entry in ClinVar:

NM_002294.3(LAMP2):c.251A>G (p.Asn84Ser)

Gene: LAMP2 (lysosome associated membrane protein 2; minus strand). Cytogenetic location: Xq24.
Variant type: single nucleotide variant.
Coding change: c.251A>G on transcript NM_002294.3 (MANE Select); coding-DNA position 251, A replaced by G.
Protein change: p.Asn84Ser; replaces asparagine 84 with serine.
Molecular consequence: missense variant.
Genome position (GRCh38, 1-based): chrX:120,455,503, T>C on the plus strand (A>G on the coding strand, the complement: LAMP2 is on the minus strand). VCF-style: chrX-120455503-T-C. GRCh37 (hg19) VCF-style: chrX-119589358-T-C.
Other names: c.251A>G, p.Asn84Ser (NM_001122606.1, NM_013995.2); short protein forms N84S.
Identifiers: ClinVar variation 1357964 (VCV001357964.8), dbSNP rs2147286887, ClinGen allele CA414403329.
Genomic context (GRCh38, chrX:120,455,503, plus strand): 5'-TTGGTAAAATTCGCAATCCAGGAAAAGCCAGGTCCGAACTGCACTGCTATTTTGGGACCA[T>C]TCTGATCATCCCCACAAATGCTTCCATTATATGTCACAGTGCCATGGTCTGAAATGGTTA-3'
Protein context (NP_002285.1, residues 74-94): YNGSICGDDQ[Asn84Ser]GPKIAVQFGP

ClinVar aggregate classification (germline): Uncertain significance (1 of 4 stars; one submission).

Conditions:
Danon disease. Also called: PSEUDOGLYCOGENOSIS II; GSD IIb; LYSOSOMAL GLYCOGEN STORAGE DISEASE WITHOUT ACID MALTASE DEFICIENCY; ANTOPOL DISEASE; Glycogen Storage Disease Type IIb. Identifiers: Orphanet 34587, MedGen C0878677, MONDO:0010281, OMIM 300257.

Allele frequency attached by ClinVar (database versions not stated): gnomAD exomes below 0.00001.
gnomAD v4.1: 1 of 1,210,653 alleles (0.000083%); highest among the groups gnomAD compares: Non-Finnish European, 0.00011%; no homozygotes.

Submission:

Labcorp Genetics (formerly Invitae), Labcorp
Classification: Uncertain significance for Danon disease. Last evaluated: 2022-08-15. Review status: criteria provided, single submitter. Criteria: Invitae Variant Classification Sherloc (09022015). Collection method: clinical testing. Allele origin: germline.
Comment: This sequence change replaces asparagine, which is neutral and polar, with serine, which is neutral and polar, at codon 84 of the LAMP2 protein (p.Asn84Ser). This variant is not present in population databases (gnomAD no frequency). This variant has not been reported in the literature in individuals affected with LAMP2-related conditions. ClinVar contains an entry for this variant (Variation ID: 1357964). Algorithms developed to predict the effect of missense changes on protein structure and function output the following: SIFT: "Tolerated"; PolyPhen-2: "Benign"; Align-GVGD: "Class C0". The serine amino acid residue is found in multiple mammalian species, which suggests that this missense change does not adversely affect protein function. In summary, the available evidence is currently insufficient to determine the role of this variant in disease. Therefore, it has been classified as a Variant of Uncertain Significance.